The following is an entry in ClinVar:

NM_001278431.2(C1QTNF5):c.104C>A (p.Pro35Gln)

Genes: C1QTNF5 (C1q and TNF related 5; minus strand), MFRP (membrane frizzled-related protein; minus strand). Cytogenetic location: 11q23.3.
Variant type: single nucleotide variant.
Coding change: c.104C>A on transcript NM_001278431.2 (MANE Select); coding-DNA position 104, C replaced by A.
Protein change: p.Pro35Gln; replaces proline 35 with glutamine.
Molecular consequence: missense variant. On other transcripts: 3 prime UTR variant (1).
Genome position (GRCh38, 1-based): chr11:119,340,294, G>T on the plus strand (C>A on the coding strand, the complement: C1QTNF5 is on the minus strand). VCF-style: chr11-119340294-G-T. GRCh37 (hg19) VCF-style: chr11-119211004-G-T.
Other names: c.104C>A, p.Pro35Gln (NM_015645.5); c.*1000C>A (NM_031433.4); short protein forms P35Q.
Identifiers: ClinVar variation 1403101 (VCV001403101.9), dbSNP rs2135365492, ClinGen allele CA382970825.

ClinVar aggregate classification (germline): Uncertain significance. Review status: criteria provided, multiple submitters, no conflicts (2 of 4 stars). 2 submissions from 2 submitters: Uncertain significance (2). Last evaluated 2021-12-23.

Submissions (2):

Blueprint Genetics
Classification: Uncertain significance. Last evaluated: 2021-12-23. Review status: criteria provided, single submitter. Criteria: ACMG Guidelines, 2015. Collection method: clinical testing. Allele origin: germline.

Labcorp Genetics (formerly Invitae), Labcorp
Classification: Uncertain significance. Last evaluated: 2021-03-13. Review status: criteria provided, single submitter. Criteria: Invitae Variant Classification Sherloc (09022015). Collection method: clinical testing. Allele origin: germline.
Comment: In summary, the available evidence is currently insufficient to determine the role of this variant in disease. Therefore, it has been classified as a Variant of Uncertain Significance. Algorithms developed to predict the effect of missense changes on protein structure and function are either unavailable or do not agree on the potential impact of this missense change (SIFT: "Deleterious"; PolyPhen-2: "Probably Damaging"; Align-GVGD: "Class C0"). This variant has not been reported in the literature in individuals with C1QTNF5-related conditions. The frequency data for this variant in the population databases is considered unreliable, as metrics indicate insufficient coverage at this position in the ExAC database. This sequence change replaces proline with glutamine at codon 35 of the C1QTNF5 protein (p.Pro35Gln). The proline residue is highly conserved and there is a moderate physicochemical difference between proline and glutamine.